The following is an entry in ClinVar:

ClinVar aggregate classification (germline): Likely benign. Review status: criteria provided, multiple submitters, no conflicts (2 of 4 stars). 6 submissions from 6 submitters: Likely benign (5). 1 of the submissions does not count toward it. Last evaluated 2026-05-01.

Conditions:
PRMT7-related disorder. Also called: PRMT7-related condition.

Allele frequency attached by ClinVar (database versions not stated): 1000 Genomes Project 0.00060; 1000 Genomes Project 30x 0.00062; ExAC 0.00135; gnomAD 0.00146 and 0.00150; gnomAD exomes 0.00146; TOPMed 0.00167; ESP Exome Variant Server 0.00169.
gnomAD v4.1: 3,442 of 1,611,548 alleles (0.21%); highest among the groups gnomAD compares: Non-Finnish European, 0.26%; 7 homozygotes.

Submissions (6):

CeGaT Center for Human Genetics Tuebingen
Classification: Likely benign. Last evaluated: 2026-05-01. Review status: criteria provided, single submitter. Criteria: CeGaT Center For Human Genetics Tuebingen Variant Classification Criteria Version 2. Collection method: clinical testing. Allele origin: germline. Affected: yes. Observed: 7 variant alleles.
Comment: PRMT7: BP4, BP7

Labcorp Genetics (formerly Invitae), Labcorp
Classification: Likely benign. Last evaluated: 2026-01-21. Review status: criteria provided, single submitter. Criteria: Invitae Variant Classification Sherloc (09022015). Collection method: clinical testing. Allele origin: germline.

Blueprint Genetics
Classification: Likely benign. Last evaluated: 2024-11-14. Review status: criteria provided, single submitter. Criteria: ACMG Guidelines, 2015. Collection method: clinical testing. Allele origin: germline.

Genetic Services Laboratory, University of Chicago
Classification: Likely benign. Last evaluated: 2017-09-26. Review status: criteria provided, single submitter. Criteria: ACMG Guidelines, 2015. Collection method: clinical testing. Allele origin: germline. Affected: no.

Breakthrough Genomics
Classification: Likely benign. Review status: criteria provided, single submitter. Criteria: ACMG Guidelines, 2015. Collection method: not provided. Allele origin: germline. Inheritance: Autosomal recessive inheritance. Affected: yes.

PreventionGenetics, part of Exact Sciences
Classification: Likely benign for PRMT7-related condition. Last evaluated: 2019-08-02. Review status: no assertion criteria provided. Collection method: clinical testing. Allele origin: germline. Not counted in ClinVar's aggregate classification.
Comment: This variant is classified as likely benign based on ACMG/AMP sequence variant interpretation guidelines (Richards et al. 2015 PMID: 25741868, with internal and published modifications).

NM_019023.5(PRMT7):c.420C>A (p.Ile140=)

Gene: PRMT7 (protein arginine methyltransferase 7; plus strand). Cytogenetic location: 16q22.1.
Variant type: single nucleotide variant.
Coding change: c.420C>A on transcript NM_019023.5 (MANE Select); coding-DNA position 420, C replaced by A.
Protein change: p.Ile140=; no amino-acid change (isoleucine 140 retained).
Molecular consequence: synonymous variant. On other transcripts: non-coding transcript variant (12).
Genome position (GRCh38, 1-based): chr16:68,337,487, C>A. VCF-style: chr16-68337487-C-A. GRCh37 (hg19) VCF-style: chr16-68371390-C-A.
Other names: c.270C>A, p.Ile90= (NM_001184824.4); c.420C>A, p.Ile140= (NM_001290018.2, NM_001351143.3, NM_001351144.3 and 1 more transcripts); c.213C>A, p.Ile71= (NM_001378020.1); c.183C>A, p.Ile61= (NM_001378021.1, NM_001378022.1, NM_001378023.1).
Identifiers: ClinVar variation 724850 (VCV000724850.50), dbSNP rs72792215, ClinGen allele CA8127100.